The following is an entry in ClinVar:

ClinVar aggregate classification (germline): Uncertain significance (1 of 4 stars; one submission).

Conditions:
Inborn genetic diseases. Identifiers: MedGen C0950123, MeSH D030342.

gnomAD v4.1: 1 of 1,613,922 alleles (0.000062%); no homozygotes.

Submission:

Ambry Genetics
Classification: Uncertain significance for Inborn genetic diseases. Last evaluated: 2022-06-27. Review status: criteria provided, single submitter. Criteria: Ambry Variant Classification Scheme 2023. Collection method: clinical testing. Allele origin: germline.
Comment: The p.G736V variant (also known as c.2207G>T), located in coding exon 10 of the ATR gene, results from a G to T substitution at nucleotide position 2207. The glycine at codon 736 is replaced by valine, an amino acid with dissimilar properties. This amino acid position is conserved. In addition, this alteration is predicted to be tolerated by in silico analysis. Since supporting evidence is limited at this time, the clinical significance of this alteration remains unclear.

NM_001184.4(ATR):c.2207G>T (p.Gly736Val)

Gene: ATR (ATR checkpoint kinase; minus strand). Cytogenetic location: 3q23.
Variant type: single nucleotide variant.
Coding change: c.2207G>T on transcript NM_001184.4 (MANE Select); coding-DNA position 2207, G replaced by T.
Protein change: p.Gly736Val; replaces glycine 736 with valine.
Molecular consequence: missense variant.
Genome position (GRCh38, 1-based): chr3:142,556,011, C>A on the plus strand (G>T on the coding strand, the complement: ATR is on the minus strand). VCF-style: chr3-142556011-C-A. GRCh37 (hg19) VCF-style: chr3-142274853-C-A.
Other names: c.2015G>T, p.Gly672Val (NM_001354579.2); short protein forms G672V, G736V.
Identifiers: ClinVar variation 1787706 (VCV001787706.2), dbSNP rs1248650829, ClinGen allele CA354818762.